The following is an entry in ClinVar:

GRCh38/hg38 5q35.2-35.3(chr5:176132340-177586960)x1

Genes: ARL10 (ARF like GTPase 10; plus strand), CDHR2 (cadherin related family member 2; plus strand), CLTB (clathrin light chain B; minus strand), DBN1 (drebrin 1; minus strand), DDX41 (DEAD-box helicase 41; minus strand) and 127 more. Cytogenetic location: 5q35.2-35.3.
Variant type: copy number loss.
Change: copy number 1 (one copy instead of two) of chr5:176,132,340-177,586,960 (1.45 Mb, GRCh38 coordinates, 1-based), cytogenetic band 5q35.2-35.3.
Identifiers: ClinVar variation 57051 (VCV000057051.1).

ClinVar aggregate classification (germline): Pathogenic. Review status: criteria provided, multiple submitters, no conflicts (2 of 4 stars). 2 submissions from 2 submitters: Pathogenic (2). Last evaluated 2011-08-12.

Submissions (2):

ISCA site 14
Classification: Pathogenic. Last evaluated: 2011-08-12. Review status: criteria provided, single submitter. Criteria: Kaminsky et al. (Genet Med. 2011). Collection method: clinical testing. Allele origin: unknown. Affected: yes. Observed: 1 variant allele.
Comment: Copy number variation identified through the course of routine clinical cytogenomic testing in postnatal populations. Clinical assertions have been curated as described in Kaminsky et al. 2011.

ISCA site 4
Classification: Pathogenic. Last evaluated: 2011-08-12. Review status: criteria provided, single submitter. Criteria: Kaminsky et al. (Genet Med. 2011). Collection method: clinical testing. Allele origin: unknown. Affected: yes. Observed: 1 variant allele.
Comment: the same text as in the submission from ISCA site 14 above.